The following is an entry in ClinVar:

NM_000179.3(MSH6):c.2757A>G (p.Glu919=)

Gene: MSH6 (mutS homolog 6; plus strand). Cytogenetic location: 2p16.3.
Variant type: single nucleotide variant.
Coding change: c.2757A>G on transcript NM_000179.3 (MANE Select); coding-DNA position 2757, A replaced by G.
Protein change: p.Glu919=; no amino-acid change (glutamic acid 919 retained).
Molecular consequence: synonymous variant. On other transcripts: non-coding transcript variant (5), intron variant (2).
Genome position (GRCh38, 1-based): chr2:47,800,740, A>G. VCF-style: chr2-47800740-A-G. GRCh37 (hg19) VCF-style: chr2-48027879-A-G.
Other names: c.2367A>G, p.Glu789= (NM_001281492.2); c.1851A>G, p.Glu617= (NM_001281493.2, NM_001281494.2, NM_001406811.1 and 6 more transcripts); c.2853A>G, p.Glu951= (NM_001406795.1, NM_001406802.1); c.2757A>G, p.Glu919= (NM_001406796.1, NM_001406798.1, NM_001406800.1 and 2 more transcripts); c.2460A>G, p.Glu820= (NM_001406797.1, NM_001406801.1, NM_001406805.1 and 10 more transcripts); c.2232A>G, p.Glu744= (NM_001406799.1, NM_001406806.1, NM_001406807.1); c.2679A>G, p.Glu893= (NM_001406804.1); c.2763A>G, p.Glu921= (NM_001406813.1); and 4 more.
Identifiers: ClinVar variation 1795617 (VCV001795617.4), dbSNP rs866493167, ClinGen allele CA426121637.
Genomic context (GRCh38, chr2:47,800,740, plus strand): 5'-AGGTCGTTTTCCTGATTTGACTGTAGAATTGAACCGATGGGATACAGCCTTTGACCATGA[A>G]AAGGCTCGAAAGACTGGACTTATTACTCCCAAAGCAGGCTTTGACTCTGATTATGACCAA-3'
Protein context (NP_000170.1, residues 909-929): LNRWDTAFDH[Glu919=]KARKTGLITP

ClinVar aggregate classification (germline): Conflicting classifications of pathogenicity. Review status: criteria provided, conflicting classifications (1 of 4 stars). 3 submissions from 3 submitters: Uncertain significance (1); Benign (1); Likely benign (1). Last evaluated 2025-01-02.

Conditions:
Hereditary cancer-predisposing syndrome. Also called: Tumor predisposition; Hereditary Cancer Syndrome; Neoplastic Syndromes, Hereditary; Hereditary neoplastic syndrome. Identifiers: Orphanet 140162, MedGen C0027672, MeSH D009386, MONDO:0015356.
Lynch syndrome 5 (LYNCH5). Also called: Colorectal cancer, hereditary nonpolyposis, type 5; Hereditary non-polyposis colorectal cancer, type 5. Identifiers: Orphanet 144, MedGen C1833477, MONDO:0013710, OMIM 614350. Disease mechanism: loss of function.

Submissions (3):

Myriad Genetics, Inc.
Classification: Benign for Lynch syndrome 5. Last evaluated: 2025-01-02. Review status: criteria provided, single submitter. Criteria: Myriad Autosomal Dominant, Autosomal Recessive and X-Linked Classification Criteria (2023). Collection method: clinical testing. Allele origin: unknown.
Comment: This variant is considered benign. This variant is a silent/synonymous amino acid change and it is not expected to impact splicing.

Quest Diagnostics Nichols Institute San Juan Capistrano
Classification: Uncertain significance. Last evaluated: 2023-11-20. Review status: criteria provided, single submitter. Criteria: Quest Diagnostics criteria. Collection method: clinical testing. Allele origin: unknown.
Comment: The MSH6 c.2757A>G (p.Glu919=) synonymous variant has not been reported in individuals with MSH6-related conditions in the published literature. It also has not been reported in large, multi-ethnic general populations (Genome Aggregation Database). Analysis of this variant using software algorithms for the prediction of the effect of nucleotide changes on splicing yielded predictions that this variant does not affect MSH6 mRNA splicing. Based on the available information, we are unable to determine the clinical significance of this variant.

Ambry Genetics
Classification: Likely benign for Hereditary cancer-predisposing syndrome. Last evaluated: 2020-03-21. Review status: criteria provided, single submitter. Criteria: Ambry Variant Classification Scheme 2023. Collection method: clinical testing. Allele origin: germline.